The following is an entry in ClinVar:

NM_001953.5(TYMP):c.372G>C (p.Lys124Asn)

Gene: TYMP (thymidine phosphorylase; minus strand). Cytogenetic location: 22q13.33.
Variant type: single nucleotide variant.
Coding change: c.372G>C on transcript NM_001953.5 (MANE Select); coding-DNA position 372, G replaced by C.
Protein change: p.Lys124Asn; replaces lysine 124 with asparagine.
Molecular consequence: missense variant.
Genome position (GRCh38, 1-based): chr22:50,529,181, C>G on the plus strand (G>C on the coding strand, the complement: TYMP is on the minus strand). VCF-style: chr22-50529181-C-G. GRCh37 (hg19) VCF-style: chr22-50967610-C-G.
Other names: c.372G>C, p.Lys124Asn (NM_001113755.3, NM_001113756.3, NM_001257988.1 and 1 more transcripts); short protein forms K124N.
Identifiers: ClinVar variation 2418704 (VCV002418704.4), dbSNP rs1466150223, ClinGen allele CA412201988.

ClinVar aggregate classification (germline): Uncertain significance (1 of 4 stars; one submission).

Allele frequency attached by ClinVar (database versions not stated): TOPMed below 0.00001.
gnomAD v4.1: 4 of 1,613,210 alleles (0.00025%); highest among the groups gnomAD compares: Admixed American, 0.0033%; no homozygotes.

Submission:

Labcorp Genetics (formerly Invitae), Labcorp
Classification: Uncertain significance. Last evaluated: 2026-01-02. Review status: criteria provided, single submitter. Criteria: Invitae Variant Classification Sherloc (09022015). Collection method: clinical testing. Allele origin: germline.
Comment: This sequence change replaces lysine, which is basic and polar, with asparagine, which is neutral and polar, at codon 124 of the TYMP protein (p.Lys124Asn). This variant is present in population databases (no rsID available, gnomAD 0.006%). This variant has not been reported in the literature in individuals affected with TYMP-related conditions. ClinVar contains an entry for this variant (Variation ID: 2418704). Invitae Evidence Modeling of protein sequence and biophysical properties (such as structural, functional, and spatial information, amino acid conservation, physicochemical variation, residue mobility, and thermodynamic stability) has been performed for this missense variant. However, the output from this modeling did not meet the statistical confidence thresholds required to predict the impact of this variant on TYMP protein function. In summary, the available evidence is currently insufficient to determine the role of this variant in disease. Therefore, it has been classified as a Variant of Uncertain Significance.